The following is an entry in ClinVar:

NM_170707.4(LMNA):c.1525C>A (p.Pro509Thr)

Gene: LMNA (lamin A/C; plus strand). Cytogenetic location: 1q22.
Variant type: single nucleotide variant.
Coding change: c.1525C>A on transcript NM_170707.4 (MANE Select); coding-DNA position 1525, C replaced by A.
Protein change: p.Pro509Thr; replaces proline 509 with threonine.
Molecular consequence: missense variant.
Genome position (GRCh38, 1-based): chr1:156,137,149, C>A. VCF-style: chr1-156137149-C-A. GRCh37 (hg19) VCF-style: chr1-156106940-C-A.
Other names: c.1525C>A, p.Pro509Thr (NM_001282626.2, NM_005572.4, NM_170708.4 and 1 more transcripts); c.1525C>A (NM_170707.2); c.1189C>A, p.Pro397Thr (NM_001257374.3); c.1282C>A, p.Pro428Thr (NM_001282624.2); short protein forms P509T, P397T, P428T.
Identifiers: ClinVar variation 575951 (VCV000575951.11), dbSNP rs762847359, ClinGen allele CA342823153.

ClinVar aggregate classification (germline): Uncertain significance. Review status: criteria provided, multiple submitters, no conflicts (2 of 4 stars). 4 submissions from 4 submitters: Uncertain significance (4). Last evaluated 2023-11-02.

Conditions:
Cardiomyopathy (CMYO). Also called: Cardiomyopathies. Identifiers: Orphanet 167848, MedGen C0878544, MONDO:0004994, HP:0001638. Inheritance: Various modes of inheritance.
Charcot-Marie-Tooth disease type 2. Also called: Charcot-Marie-Tooth type 2. Identifiers: Orphanet 64746, MedGen C0270914, MONDO:0018993.
Primary dilated cardiomyopathy (DCM). Also called: Dilated Cardiomyopathy. Identifiers: Orphanet 217604, MedGen C0007193, MeSH D002311, MONDO:0005021, HP:0001644. Inheritance: Various modes of inheritance.

gnomAD v4.1: 4 of 1,613,252 alleles (0.00025%); highest among the groups gnomAD compares: Non-Finnish European, 0.00034%; no homozygotes.

Submissions (4):

All of Us Research Program, National Institutes of Health
Classification: Uncertain significance for Primary dilated cardiomyopathy. Last evaluated: 2023-11-02. Review status: criteria provided, single submitter. Criteria: ACMG Guidelines, 2015. Collection method: clinical testing. Allele origin: germline. Inheritance: Autosomal dominant inheritance. Observed: 1 variant allele, 1 heterozygote.
Comment: This missense variant replaces proline with threonine at codon 509 of the LMNA protein. Computational prediction suggests that this variant may have deleterious impact on protein structure and function (internally defined REVEL score threshold >= 0.7, PMID: 27666373). To our knowledge, functional studies have not been reported for this variant. This variant has not been reported in individuals affected with LMNA-related disorders in the literature. This variant has not been identified in the general population by the Genome Aggregation Database (gnomAD). The available evidence is insufficient to determine the role of this variant in disease conclusively. Therefore, this variant is classified as a Variant of Uncertain Significance.

This study involves interpretation of variants in research participants for the purpose of population health screening. Participant phenotype was not available at the time of variant classification. Additional details can be found in publication PMID: 35346344, PMCID: PMC8962531

Labcorp Genetics (formerly Invitae), Labcorp
Classification: Uncertain significance for Charcot-Marie-Tooth disease type 2. Last evaluated: 2023-11-02. Review status: criteria provided, single submitter. Criteria: Invitae Variant Classification Sherloc (09022015). Collection method: clinical testing. Allele origin: germline.
Comment: This sequence change replaces proline, which is neutral and non-polar, with threonine, which is neutral and polar, at codon 509 of the LMNA protein (p.Pro509Thr). This variant is not present in population databases (gnomAD no frequency). This variant has not been reported in the literature in individuals affected with LMNA-related conditions. ClinVar contains an entry for this variant (Variation ID: 575951). Advanced modeling of protein sequence and biophysical properties (such as structural, functional, and spatial information, amino acid conservation, physicochemical variation, residue mobility, and thermodynamic stability) performed at Invitae indicates that this missense variant is expected to disrupt LMNA protein function with a positive predictive value of 95%. In summary, the available evidence is currently insufficient to determine the role of this variant in disease. Therefore, it has been classified as a Variant of Uncertain Significance.

Color Diagnostics, LLC DBA Color Health
Classification: Uncertain significance for Cardiomyopathy. Last evaluated: 2023-10-13. Review status: criteria provided, single submitter. Criteria: ACMG Guidelines, 2015. Collection method: clinical testing. Allele origin: germline.
Comment: This missense variant replaces proline with threonine at codon 509 of the LMNA protein. Computational prediction suggests that this variant may have deleterious impact on protein structure and function. To our knowledge, functional studies have not been reported for this variant. This variant has not been reported in individuals affected with LMNA-related disorders in the literature. This variant has not been identified in the general population by the Genome Aggregation Database (gnomAD). The available evidence is insufficient to determine the role of this variant in disease conclusively. Therefore, this variant is classified as a Variant of Uncertain Significance.

GeneDx
Classification: Uncertain significance. Last evaluated: 2022-09-19. Review status: criteria provided, single submitter. Criteria: GeneDx Variant Classification Process June 2021. Collection method: clinical testing. Allele origin: germline. Affected: yes.
Comment: Has not been previously published as pathogenic or benign to our knowledge; Not observed at significant frequency in large population cohorts (gnomAD); In silico analysis supports that this missense variant has a deleterious effect on protein structure/function; This variant is associated with the following publications: (PMID: 10939567)